The following is an entry in ClinVar:

NM_015020.3(PHLPP2):c.1542A>G (p.Leu514=)

Gene: PHLPP2 (PH domain and leucine rich repeat protein phosphatase 2; minus strand). Cytogenetic location: 16q22.2.
Variant type: single nucleotide variant.
Coding change: c.1542A>G on transcript NM_015020.3 (MANE Select); coding-DNA position 1542, A replaced by G.
Protein change: p.Leu514=; no amino-acid change (leucine 514 retained).
Molecular consequence: synonymous variant.
Genome position (GRCh38, 1-based): chr16:71,669,361, T>C on the plus strand (A>G on the coding strand, the complement: PHLPP2 is on the minus strand). VCF-style: chr16-71669361-T-C. GRCh37 (hg19) VCF-style: chr16-71703264-T-C.
Other names: c.1542A>G, p.Leu514= (NM_001289003.1).
Identifiers: ClinVar variation 2646800 (VCV002646800.24), dbSNP rs113061734, ClinGen allele CA8155251.

ClinVar aggregate classification (germline): Likely benign (1 of 4 stars; one submission).

Allele frequency attached by ClinVar (database versions not stated): gnomAD exomes 0.00041; 1000 Genomes Project 30x 0.00047; gnomAD 0.00057; 1000 Genomes Project 0.00060; ESP Exome Variant Server 0.00062; TOPMed 0.00066.
gnomAD v4.1: 754 of 1,608,950 alleles (0.047%); highest among the groups gnomAD compares: Middle Eastern, 0.78%; 11 homozygotes.

Submission:

CeGaT Center for Human Genetics Tuebingen
Classification: Likely benign. Last evaluated: 2023-01-01. Review status: criteria provided, single submitter. Criteria: CeGaT Center For Human Genetics Tuebingen Variant Classification Criteria Version 2. Collection method: clinical testing. Allele origin: germline. Affected: yes. Observed: 1 variant allele.
Comment: PHLPP2: BP4, BP7